The following is an entry in ClinVar:

ClinVar aggregate classification (germline): Conflicting classifications of pathogenicity. Review status: criteria provided, conflicting classifications (1 of 4 stars). 9 submissions from 9 submitters: Pathogenic (4); Likely pathogenic (2); Uncertain significance (1). 2 of the submissions do not count toward it. Last evaluated 2026-04-16.

Conditions:
Inborn genetic diseases. Identifiers: MedGen C0950123, MeSH D030342.
Intellectual disability-facial dysmorphism syndrome due to SETD5 haploinsufficiency (MRD23). Also called: Intellectual developmental disorder, autosomal dominant 23. Identifiers: Orphanet 404440, MedGen C3810406, MONDO:0014336, OMIM 615761.
SETD5-related disorder. Also called: SETD5-related disorders; SETD5-related condition.

Submissions (9):

MVZ Martinsried, Medicover Genetics
Classification: Uncertain significance for Intellectual disability-facial dysmorphism syndrome due to SETD5 haploinsufficiency. Last evaluated: 2026-04-16. Review status: criteria provided, single submitter. Criteria: ClinGen Variant Curation SOP V3.2 + Classification Guidance July2025. Collection method: clinical testing. Allele origin: unknown. Affected: yes. Observed: 1 heterozygote.

GeneDx
Classification: Pathogenic. Last evaluated: 2026-01-05. Review status: criteria provided, single submitter. Criteria: GeneDx Variant Classification Process June 2021. Collection method: clinical testing. Allele origin: germline. Affected: yes.
Comment: Identified in at least one proband in large neurodevelopmental disorders cohort studies however, detailed clinical information were not provided (PMID: 28191889); Nonsense variant predicted to result in protein truncation or nonsense mediated decay in a gene for which loss of function is a known mechanism of disease; Not observed at significant frequency in large population cohorts (gnomAD); This variant is associated with the following publications: (PMID: 33004838, 35982159, 35982160, 38958063, 28191889, 27317772, 40462669)

Ambry Genetics
Classification: Pathogenic for Inborn genetic diseases. Last evaluated: 2025-08-06. Review status: criteria provided, single submitter. Criteria: Ambry Variant Classification Scheme 2023. Collection method: clinical testing. Allele origin: germline.
Comment: The c.2644C>T (p.R882*) alteration, located in exon 18 (coding exon 16) of the SETD5 gene, consists of a C to T substitution at nucleotide position 2644. This changes the amino acid from a arginine (R) to a stop codon at amino acid position 882. This alteration is expected to result in loss of function by premature protein truncation or nonsense-mediated mRNA decay. This variant was not reported in population-based cohorts in the Genome Aggregation Database (gnomAD). This variant was determined to be de novo in at least one individual with features consistent with SETD5-related neurodevelopmental disorder (Stessman, 2017; Zhou, 2022). Based on the available evidence, this alteration is classified as pathogenic.

Labcorp Genetics (formerly Invitae), Labcorp
Classification: Pathogenic. Last evaluated: 2022-05-16. Review status: criteria provided, single submitter. Criteria: Invitae Variant Classification Sherloc (09022015). Collection method: clinical testing. Allele origin: germline.
Comment: This sequence change creates a premature translational stop signal (p.Arg882*) in the SETD5 gene. It is expected to result in an absent or disrupted protein product. Loss-of-function variants in SETD5 are known to be pathogenic (PMID: 24680889). This variant is not present in population databases (gnomAD no frequency). This premature translational stop signal has been observed in individual(s) with SETD5-related disorders (PMID: 28191889, 33004838). This variant is also known as c.2350C>T; c.2761C>T. ClinVar contains an entry for this variant (Variation ID: 493356). For these reasons, this variant has been classified as Pathogenic.

Revvity Omics, Revvity
Classification: Likely pathogenic for Intellectual disability-facial dysmorphism syndrome due to SETD5 haploinsufficiency. Last evaluated: 2020-12-09. Review status: criteria provided, single submitter. Criteria: ACMG Guidelines, 2015. Collection method: clinical testing. Allele origin: germline.

CeGaT Center for Human Genetics Tuebingen
Classification: Likely pathogenic. Last evaluated: 2018-02-01. Review status: criteria provided, single submitter. Criteria: CeGaT Center For Human Genetics Tuebingen Variant Classification Criteria Version 2. Collection method: clinical testing. Allele origin: germline. Affected: yes. Observed: 1 variant allele.

Juno Genomics, Hangzhou Juno Genomics, Inc
Classification: Pathogenic for Intellectual disability-facial dysmorphism syndrome due to SETD5 haploinsufficiency. Review status: criteria provided, single submitter. Criteria: ACMG Guidelines, 2015. Collection method: clinical testing. Allele origin: germline.
Comment: Absent from controls (or at extremely low frequency if recessive) in Genome Aggregation Database.;Null variant in a gene where loss of function (LOF) is a known mechanism of disease.;The prevalence of the variant in affected individuals is significantly increased compared to the prevalence in controls.

PreventionGenetics, part of Exact Sciences
Classification: Pathogenic for SETD5-related condition. Last evaluated: 2024-09-27. Review status: no assertion criteria provided. Collection method: clinical testing. Allele origin: germline. Not counted in ClinVar's aggregate classification.
Comment: The SETD5 c.2644C>T variant is predicted to result in premature protein termination (p.Arg882*). This variant has been documented in the literature and PreventionGenetics internal databases as a de novo finding in patients with autosomal dominant intellectual developmental disorder type 23 (Stessman et al. 2017. PubMed ID: 28191889; Zhou et al. 2022. PubMed ID: 35982159). This variant has not been reported in a large population database, indicating this variant is rare. Nonsense variants in SETD5 are expected to be pathogenic. This variant is interpreted as pathogenic.

Laboratory of Molecular Genetics (Pr. Bezieau's lab), CHU de Nantes
Classification: Pathogenic. Last evaluated: 2018-01-02. Review status: no assertion criteria provided. Collection method: clinical testing. Allele origin: germline. Affected: yes. Not counted in ClinVar's aggregate classification.

Literature cited by the submitters: PubMed 28191889 (cited by Ambry Genetics and Labcorp Genetics (formerly Invitae), Labcorp); PubMed 35982159 (cited by Ambry Genetics); PubMed 24680889 (cited by Labcorp Genetics (formerly Invitae), Labcorp); PubMed 33004838 (cited by Labcorp Genetics (formerly Invitae), Labcorp).

NM_001080517.3(SETD5):c.2644C>T (p.Arg882Ter)

Gene: SETD5 (SET domain containing 5; plus strand). Cytogenetic location: 3p25.3.
Variant type: single nucleotide variant.
Coding change: c.2644C>T on transcript NM_001080517.3 (MANE Select); coding-DNA position 2644, C replaced by T.
Protein change: p.Arg882Ter; replaces arginine 882 with a stop codon.
Molecular consequence: nonsense.
Genome position (GRCh38, 1-based): chr3:9,464,592, C>T. VCF-style: chr3-9464592-C-T. GRCh37 (hg19) VCF-style: chr3-9506276-C-T.
Other names: c.2644C>T (NM_001080517.2); c.2350C>T, p.Arg784Ter (NM_001292043.2, NM_001349451.2); short protein forms R882*, R784*.
Identifiers: ClinVar variation 493356 (VCV000493356.59), dbSNP rs1553635637, ClinGen allele CA351708059.